The following is an entry in ClinVar:

ClinVar aggregate classification (germline): Uncertain significance (1 of 4 stars; one submission).

Conditions:
Cone-rod dystrophy 13 (CORD13). Identifiers: Orphanet 1872, MedGen C2750720, MONDO:0011987, OMIM 608194.
Leber congenital amaurosis 6 (LCA6). Identifiers: Orphanet 65, MedGen C1854260, MONDO:0013446, OMIM 613826.

Submission:

Labcorp Genetics (formerly Invitae), Labcorp
Classification: Uncertain significance for Leber congenital amaurosis 6; Cone-rod dystrophy 13. Last evaluated: 2019-10-03. Review status: criteria provided, single submitter. Criteria: Invitae Variant Classification Sherloc (09022015). Collection method: clinical testing. Allele origin: germline.
Comment: In summary, the available evidence is currently insufficient to determine the role of this variant in disease. Therefore, it has been classified as a Variant of Uncertain Significance. This variant has not been reported in the literature in individuals with RPGRIP1-related conditions. This variant results in a copy number gain of the genomic region encompassing exon 1 of the RPGRIP1 gene, which includes the initiator codon. The 5' end of this event is unknown as it extends beyond the assayed region for this gene and therefore may encompass additional genes. The 3' boundary is likely confined to intron 1 of the RPGRIP1 gene. As the precise location of this event is unknown, it may be in tandem or it may be located elsewhere in the genome.

NC_000014.9:g.(?_21287977)_(21288061_?)dup

Gene: RPGRIP1 (RPGR interacting protein 1; plus strand). Cytogenetic location: 14q11.2.
Variant type: Duplication.
Identifiers: ClinVar variation 832150 (VCV000832150.6).